The following is an entry in ClinVar:

NM_012210.4(TRIM32):c.753A>C (p.Val251=)

Genes: ASTN2 (astrotactin 2; minus strand), TRIM32 (tripartite motif containing 32; plus strand). Cytogenetic location: 9q33.1.
Variant type: single nucleotide variant.
Coding change: c.753A>C on transcript NM_012210.4 (MANE Select); coding-DNA position 753, A replaced by C.
Protein change: p.Val251=; no amino-acid change (valine 251 retained).
Molecular consequence: synonymous variant. On other transcripts: intron variant (3).
Genome position (GRCh38, 1-based): chr9:116,698,495, A>C. VCF-style: chr9-116698495-A-C. GRCh37 (hg19) VCF-style: chr9-119460774-A-C.
Other names: c.753A>C, p.Val251= (NM_001099679.2, NM_001379048.1, NM_001379049.1 and 1 more transcripts); c.2653+27276T>G (NM_014010.5); c.2794+27276T>G (NM_001365069.1); c.2806+27276T>G (NM_001365068.1).
Identifiers: ClinVar variation 2857457 (VCV002857457.4), dbSNP rs766491249, ClinGen allele CA5211041.
Genomic context (GRCh38, chr9:116,698,495, plus strand): 5'-AGAGGTGCAGGCTGTGTCTCGCTGTGACTACTTCCTGGCCAAGATCAAGCAGGCAGATGT[A>C]GCACTACTGGAGGAGACAGCTGATGAGGAGGAGCCAGAGCTCACTGCCAGCTTGCCTCGG-3'
Protein context (NP_036342.2, residues 241-261): YFLAKIKQAD[Val251=]ALLEETADEE

ClinVar aggregate classification (germline): Likely benign. Review status: criteria provided, single submitter (1 of 4 stars). 2 submissions from 2 submitters: Likely benign (1). 1 of the submissions does not count toward it. Last evaluated 2023-06-15.

Conditions:
TRIM32-related disorder. Also called: TRIM32-related condition.
Bardet-Biedl syndrome (BBS). Identifiers: Orphanet 110, MedGen C0752166, MONDO:0015229.

Allele frequency attached by ClinVar (database versions not stated): gnomAD exomes below 0.00001; ExAC 0.00001.
gnomAD v4.1: 1 of 1,613,900 alleles (0.000062%); highest among the groups gnomAD compares: Non-Finnish European, 0.000085%; no homozygotes.

Submissions (2):

Labcorp Genetics (formerly Invitae), Labcorp
Classification: Likely benign for Bardet-Biedl syndrome. Last evaluated: 2023-06-15. Review status: criteria provided, single submitter. Criteria: Invitae Variant Classification Sherloc (09022015). Collection method: clinical testing. Allele origin: germline.

PreventionGenetics, part of Exact Sciences
Classification: Likely benign for TRIM32-related condition. Last evaluated: 2021-05-19. Review status: no assertion criteria provided. Collection method: clinical testing. Allele origin: germline. Not counted in ClinVar's aggregate classification.
Comment: This variant is classified as likely benign based on ACMG/AMP sequence variant interpretation guidelines (Richards et al. 2015 PMID: 25741868, with internal and published modifications).